The following is an entry in ClinVar:

ClinVar aggregate classification (germline): Uncertain significance (1 of 4 stars; one submission).

gnomAD v4.1: 1 of 1,550,638 alleles (0.000064%); no homozygotes.

Submission:

Labcorp Genetics (formerly Invitae), Labcorp
Classification: Uncertain significance. Last evaluated: 2022-07-11. Review status: criteria provided, single submitter. Criteria: Invitae Variant Classification Sherloc (09022015). Collection method: clinical testing. Allele origin: germline.
Comment: This sequence change replaces isoleucine, which is neutral and non-polar, with threonine, which is neutral and polar, at codon 1104 of the EYS protein (p.Ile1104Thr). This variant is not present in population databases (gnomAD no frequency). In summary, the available evidence is currently insufficient to determine the role of this variant in disease. Therefore, it has been classified as a Variant of Uncertain Significance. Algorithms developed to predict the effect of missense changes on protein structure and function (SIFT, PolyPhen-2, Align-GVGD) all suggest that this variant is likely to be tolerated. ClinVar contains an entry for this variant (Variation ID: 968918). This variant has not been reported in the literature in individuals affected with EYS-related conditions.

NM_001142800.2(EYS):c.3311T>C (p.Ile1104Thr)

Gene: EYS (EGF-like photoreceptor maintenance factor; minus strand). Cytogenetic location: 6q12.
Variant type: single nucleotide variant.
Coding change: c.3311T>C on transcript NM_001142800.2 (MANE Select); coding-DNA position 3311, T replaced by C.
Protein change: p.Ile1104Thr; replaces isoleucine 1104 with threonine.
Molecular consequence: missense variant.
Genome position (GRCh38, 1-based): chr6:64,813,510, A>G on the plus strand (T>C on the coding strand, the complement: EYS is on the minus strand). VCF-style: chr6-64813510-A-G. GRCh37 (hg19) VCF-style: chr6-65523403-A-G.
Other names: c.3311T>C, p.Ile1104Thr (NM_001292009.2); short protein forms I1104T.
Identifiers: ClinVar variation 968918 (VCV000968918.9), dbSNP rs1764661327, ClinGen allele CA364786956.